The following is an entry in ClinVar:

NM_001606.5(ABCA2):c.7303C>T (p.Leu2435Phe)

Gene: ABCA2 (ATP binding cassette subfamily A member 2; minus strand). Cytogenetic location: 9q34.3.
Variant type: single nucleotide variant.
Coding change: c.7303C>T on transcript NM_001606.5 (MANE Select); coding-DNA position 7303, C replaced by T.
Protein change: p.Leu2435Phe; replaces leucine 2435 with phenylalanine.
Molecular consequence: missense variant.
Genome position (GRCh38, 1-based): chr9:137,007,937, G>A on the plus strand (C>T on the coding strand, the complement: ABCA2 is on the minus strand). VCF-style: chr9-137007937-G-A. GRCh37 (hg19) VCF-style: chr9-139902389-G-A.
Other names: c.7300C>T, p.Leu2434Phe (NM_001411042.1); c.7393C>T, p.Leu2465Phe (NM_212533.3); short protein forms L2434F, L2435F, L2465F.
Identifiers: ClinVar variation 3767548 (VCV003767548.1).

ClinVar aggregate classification (germline): Uncertain significance (1 of 4 stars; one submission).

gnomAD v4.1: 27 of 1,605,848 alleles (0.0017%); highest among the groups gnomAD compares: Admixed American, 0.022%; no homozygotes.

Submission:

GeneDx
Classification: Uncertain significance. Last evaluated: 2024-09-10. Review status: criteria provided, single submitter. Criteria: GeneDx Variant Classification Process June 2021. Collection method: clinical testing. Allele origin: germline. Affected: yes.
Comment: In silico analysis indicates that this missense variant does not alter protein structure/function; Has not been previously published as pathogenic or benign to our knowledge